The following is an entry in ClinVar:

ClinVar aggregate classification (germline): Uncertain significance (1 of 4 stars; one submission).

Submission:

GeneDx
Classification: Uncertain significance. Last evaluated: 2023-12-06. Review status: criteria provided, single submitter. Criteria: GeneDx Variant Classification Process June 2021. Collection method: clinical testing. Allele origin: germline. Affected: yes.
Comment: Not observed at significant frequency in large population cohorts (gnomAD); In silico analysis supports that this missense variant does not alter protein structure/function; Has not been previously published as pathogenic or benign to our knowledge

NM_001161352.2(KCNMA1):c.1964A>G (p.Gln655Arg)

Gene: KCNMA1 (potassium calcium-activated channel subfamily M alpha 1; minus strand). Cytogenetic location: 10q22.3.
Variant type: single nucleotide variant.
Coding change: c.1964A>G on transcript NM_001161352.2 (MANE Select); coding-DNA position 1964, A replaced by G.
Protein change: p.Gln655Arg; replaces glutamine 655 with arginine.
Molecular consequence: missense variant.
Genome position (GRCh38, 1-based): chr10:77,019,064, T>C on the plus strand (A>G on the coding strand, the complement: KCNMA1 is on the minus strand). VCF-style: chr10-77019064-T-C. GRCh37 (hg19) VCF-style: chr10-78778822-T-C.
Other names: c.1424A>G, p.Gln475Arg (NM_001322838.2); c.1964A>G, p.Gln655Arg (NM_001410940.1, NM_002247.4, NM_001161353.2 and 4 more transcripts); c.1976A>G, p.Gln659Arg (NM_001014797.3, NM_001322830.2, NM_001322835.2 and 1 more transcripts); c.1814A>G, p.Gln605Arg (NM_001271518.2); short protein forms Q475R, Q605R, Q655R, Q659R.
Identifiers: ClinVar variation 3365223 (VCV003365223.1).